The following is an entry in ClinVar:

NM_002444.3(MSN):c.1222C>T (p.Arg408Trp)

Gene: MSN (moesin; plus strand). Cytogenetic location: Xq12.
Variant type: single nucleotide variant.
Coding change: c.1222C>T on transcript NM_002444.3 (MANE Select); coding-DNA position 1222, C replaced by T.
Protein change: p.Arg408Trp; replaces arginine 408 with tryptophan.
Molecular consequence: missense variant.
Genome position (GRCh38, 1-based): chrX:65,737,309, C>T. VCF-style: chrX-65737309-C-T. GRCh37 (hg19) VCF-style: chrX-64957171-C-T.
Other names: short protein forms R408W.
Identifiers: ClinVar variation 1638731 (VCV001638731.8), dbSNP rs748200741, ClinGen allele CA10434636.
Genomic context (GRCh38, chrX:65,737,309, plus strand): 5'-AAGCTGGCCAAGGAGCGTCAAGAAGCTGAAGAGGCCAAGGAGGCCTTGCTGCAGGCCTCC[C>T]GGGACCAGAAAAAGACTCAGGAACAGCTGGTAAAGCTGTAGGGTGGGCTGGGATTATGGG-3'
Protein context (NP_002435.1, residues 398-418): EAKEALLQAS[Arg408Trp]DQKKTQEQLA

ClinVar aggregate classification (germline): Conflicting classifications of pathogenicity. Review status: criteria provided, conflicting classifications (1 of 4 stars). 2 submissions from 2 submitters: Uncertain significance (1); Likely benign (1). Last evaluated 2024-05-23.

gnomAD v4.1: 18 of 1,208,228 alleles (0.0015%); highest among the groups gnomAD compares: African/African-American, 0.0088%; no homozygotes.

Submissions (2):

Labcorp Genetics (formerly Invitae), Labcorp
Classification: Likely benign. Last evaluated: 2024-05-23. Review status: criteria provided, single submitter. Criteria: Invitae Variant Classification Sherloc (09022015). Collection method: clinical testing. Allele origin: germline.

Women's Health and Genetics/Laboratory Corporation of America, LabCorp
Classification: Uncertain significance. Last evaluated: 2022-06-03. Review status: criteria provided, single submitter. Criteria: LabCorp Variant Classification Summary - May 2015. Collection method: clinical testing. Allele origin: germline.
Comment: Variant summary: MSN c.1222C>T (p.Arg408Trp) results in a non-conservative amino acid change in the encoded protein sequence. Three of five in-silico tools predict a damaging effect of the variant on protein function. The variant allele was found at a frequency of 2.2e-05 in 178874 control chromosomes, including 2 hemizygotes (gnomAD). The available data on variant occurrences in the general population are insufficient to allow any conclusion about variant significance. To our knowledge, no occurrence of c.1222C>T in individuals affected with Combined Immunodeficiency Due To Moesin Deficiency and no experimental evidence demonstrating its impact on protein function have been reported. One ClinVar submitter has assessed the variant since 2014: the variant was classified as likely benign. Based on the evidence outlined above, the variant was classified as uncertain significance.